The following is an entry in ClinVar:

ClinVar aggregate classification (germline): Pathogenic (1 of 4 stars; one submission).

Conditions:
Glycogen storage disease type III (GSD3). Also called: FORBES DISEASE; Cori disease. Identifiers: Orphanet 366, MedGen C0017922, MONDO:0009291, OMIM 232400.

Submission:

Myriad Genetics, Inc.
Classification: Pathogenic for Glycogen storage disease type III. Last evaluated: 2024-11-22. Review status: criteria provided, single submitter. Criteria: Myriad Autosomal Dominant, Autosomal Recessive and X-Linked Classification Criteria (2023). Collection method: clinical testing. Allele origin: unknown.
Comment: NM_000642.2(AGL):c.3804_3805delAG(R1268Sfs*2) is expected to be pathogenic in the context of glycogen storage disease type III. This variant is predicted to lead to an abnormal or absent protein product due to the creation of a premature termination codon in AGL, a gene where loss-of-function variants are known to be pathogenic. Please note: this variant was assessed in the context of healthy population screening.

NM_000642.3(AGL):c.3804_3805del (p.Arg1268fs)

Gene: AGL (amylo-alpha-1,6-glucosidase and 4-alpha-glucanotransferase; plus strand). Cytogenetic location: 1p21.2.
Variant type: Microsatellite.
Coding change: c.3804_3805del on transcript NM_000642.3 (MANE Select); coding-DNA positions 3804 to 3805, 2 bases deleted (AG; older notation c.3804_3805delAG).
Protein change: p.Arg1268fs; shifts the reading frame from arginine 1268.
Molecular consequence: frameshift variant.
Genome position (GRCh38, 1-based): chr1:99,910,815-99,910,816, AG deleted; deleting any 2 consecutive bases within chr1:99,910,813-99,910,816 gives the same sequence; the c. name uses the placement nearest the transcript's 3' end. VCF-style (leftmost placement, unchanged base first): chr1-99910812-CAG-C. GRCh37 (hg19) VCF-style: chr1-100376368-CAG-C.
Other names: c.3804_3805del, p.Arg1268fs (NM_000028.3, NM_000643.3, NM_000644.3 and 1 more transcripts); c.3756_3757del, p.Arg1252fs (NM_000646.3); c.3783_3784del, p.Arg1261fs (NM_001425326.1); c.3603_3604del, p.Arg1201fs (NM_001425327.1); c.3600_3601del, p.Arg1200fs (NM_001425328.1); c.3465_3466del, p.Arg1155fs (NM_001425329.1); c.3426_3427del, p.Arg1142fs (NM_001425332.1); short protein forms R1142fs, R1155fs, R1200fs, R1201fs, R1252fs, R1261fs, R1268fs.
Identifiers: ClinVar variation 5013789 (VCV005013789.1).